The following is an entry in ClinVar:

NM_006949.4(STXBP2):c.1167C>T (p.Ile389=)

Gene: STXBP2 (syntaxin binding protein 2; plus strand). Cytogenetic location: 19p13.2.
Variant type: single nucleotide variant.
Coding change: c.1167C>T on transcript NM_006949.4 (MANE Select); coding-DNA position 1167, C replaced by T.
Protein change: p.Ile389=; no amino-acid change (isoleucine 389 retained).
Molecular consequence: synonymous variant. On other transcripts: non-coding transcript variant (1).
Genome position (GRCh38, 1-based): chr19:7,644,673, C>T. VCF-style: chr19-7644673-C-T. GRCh37 (hg19) VCF-style: chr19-7709559-C-T.
Other names: p.Ile389=; c.1158C>T, p.Ile386= (NM_001127396.3); c.1200C>T, p.Ile400= (NM_001272034.2).
Identifiers: ClinVar variation 260084 (VCV000260084.22), dbSNP rs139160342, ClinGen allele CA9144013.

ClinVar aggregate classification (germline): Benign/Likely benign. Review status: criteria provided, multiple submitters, no conflicts (2 of 4 stars). 7 submissions from 7 submitters: Benign (1); Likely benign (5). 1 of the submissions does not count toward it. Last evaluated 2026-02-03.

Conditions:
Familial hemophagocytic lymphohistiocytosis 5. Also called: STXBP2-Related Familial Hemophagocytic Lymphohistiocytosis (STXBP2-fHLH). Identifiers: Orphanet 540, MedGen C2751293, MONDO:0013135, OMIM 613101.
STXBP2-related disorder. Also called: STXBP2-related condition.
Autoinflammatory syndrome. Identifiers: Orphanet 93665, MedGen C3890737, MONDO:0019751.

Allele frequency attached by ClinVar (database versions not stated): ESP Exome Variant Server 0.00015; TOPMed 0.00090; 1000 Genomes Project 0.00200; 1000 Genomes Project 30x 0.00203.
gnomAD v4.1: 697 of 1,613,710 alleles (0.043%); highest among the groups gnomAD compares: Admixed American, 0.94%; 3 homozygotes.

Submissions (7):

Labcorp Genetics (formerly Invitae), Labcorp
Classification: Benign for Familial hemophagocytic lymphohistiocytosis 5. Last evaluated: 2026-02-03. Review status: criteria provided, single submitter. Criteria: Invitae Variant Classification Sherloc (09022015). Collection method: clinical testing. Allele origin: germline.

Mayo Clinic Laboratories, Mayo Clinic
Classification: Likely benign. Last evaluated: 2025-12-11. Review status: criteria provided, single submitter. Criteria: ACMG Guidelines, 2015. Collection method: clinical testing. Allele origin: germline. Observed: 3 variant alleles.
Comment: BS1, BP4, BP7

Blueprint Genetics
Classification: Likely benign. Last evaluated: 2024-11-21. Review status: criteria provided, single submitter. Criteria: ACMG Guidelines, 2015. Collection method: clinical testing. Allele origin: germline.

Genome Diagnostics Laboratory, The Hospital for Sick Children
Classification: Likely benign for Autoinflammatory syndrome. Last evaluated: 2020-07-24. Review status: criteria provided, single submitter. Criteria: ACMG Guidelines, 2015. Collection method: clinical testing. Allele origin: germline. Affected: yes.

Illumina Laboratory Services, Illumina
Classification: Likely benign for Familial hemophagocytic lymphohistiocytosis 5. Last evaluated: 2018-01-13. Review status: criteria provided, single submitter. Criteria: ICSL Variant Classification Criteria 13 December 2019. Collection method: clinical testing. Allele origin: germline.
Comment: This variant was observed in the ICSL laboratory as part of a predisposition screen in an ostensibly healthy population. It had not been previously curated by ICSL or reported in the Human Gene Mutation Database (HGMD: prior to June 1st, 2018), and was therefore a candidate for classification through an automated scoring system. Utilizing variant allele frequency, disease prevalence and penetrance estimates, and inheritance mode, an automated score was calculated to assess if this variant is too frequent to cause the disease. Based on the score and internal cut-off values, a variant classified as likely benign is not then subjected to further curation. The score for this variant resulted in a classification of likely benign for this disease.

Breakthrough Genomics
Classification: Likely benign. Review status: criteria provided, single submitter. Criteria: ACMG Guidelines, 2015. Collection method: not provided. Allele origin: germline. Inheritance: Autosomal recessive inheritance. Affected: yes.

PreventionGenetics, part of Exact Sciences
Classification: Benign for STXBP2-related condition. Last evaluated: 2024-06-16. Review status: no assertion criteria provided. Collection method: clinical testing. Allele origin: germline. Not counted in ClinVar's aggregate classification.
Comment: This variant is classified as benign based on ACMG/AMP sequence variant interpretation guidelines (Richards et al. 2015 PMID: 25741868, with internal and published modifications).